The following is an entry in ClinVar:

ClinVar aggregate classification (germline): Pathogenic. Review status: reviewed by expert panel (3 of 4 stars). 8 submissions from 8 submitters: Pathogenic (1). 7 of the submissions do not count toward it. Last evaluated 2016-09-08.

Conditions:
Hereditary cancer-predisposing syndrome. Also called: Tumor predisposition; Neoplastic Syndromes, Hereditary; Hereditary neoplastic syndrome; Hereditary Cancer Syndrome. Identifiers: Orphanet 140162, MedGen C0027672, MeSH D009386, MONDO:0015356.
Hereditary breast ovarian cancer syndrome. Also called: Hereditary breast and ovarian cancer; Hereditary breast and ovarian cancer syndrome (HBOC); Hereditary breast and/or ovarian cancer syndrome; Breast and ovarian cancer; Hereditary breast and ovarian cancer syndrome; BRCA1- and BRCA2-Associated Hereditary Breast and Ovarian Cancer. Identifiers: Orphanet 145, MedGen C0677776, MeSH D061325, MONDO:0003582. Disease mechanism: loss of function.
Breast-ovarian cancer, familial, susceptibility to, 2 (BROVCA2). Also called: BRCA2 Hereditary Breast and Ovarian Cancer. Identifiers: Orphanet 145, MedGen C2675520, MONDO:0012933, OMIM 612555. Disease mechanism: loss of function.
Familial cancer of breast. Also called: Hereditary breast cancer; BREAST CANCER, FAMILIAL; hereditary breast carcinoma. Identifiers: Orphanet 227535, MedGen C0346153, MONDO:0016419, OMIM 114480. Disease mechanism: loss of function.

Submissions (8):

Evidence-based Network for the Interpretation of Germline Mutant Alleles (ENIGMA)
Classification: Pathogenic for Breast-ovarian cancer, familial, susceptibility to, 2. Last evaluated: 2016-09-08. Review status: reviewed by expert panel. Criteria: ENIGMA BRCA1/2 Classification Criteria (2015). Collection method: curation. Allele origin: germline.
Comment: Variant allele predicted to encode a truncated non-functional protein.

Ambry Genetics
Classification: Pathogenic for Hereditary cancer-predisposing syndrome. Last evaluated: 2025-09-16. Review status: criteria provided, single submitter. Criteria: Ambry Variant Classification Scheme 2023. Collection method: clinical testing. Allele origin: germline. Not counted in ClinVar's aggregate classification.
Comment: The c.5577delT pathogenic mutation, located in coding exon 10 of the BRCA2 gene, results from a deletion of one nucleotide at nucleotide position 5577, causing a translational frameshift with a predicted alternate stop codon (p.V1862*). This variant is considered to be rare based on population cohorts in the Genome Aggregation Database (gnomAD). This alteration is expected to result in loss of function by premature protein truncation or nonsense-mediated mRNA decay. As such, this alteration is interpreted as a disease-causing mutation.

Labcorp Genetics (formerly Invitae), Labcorp
Classification: Pathogenic for Hereditary breast ovarian cancer syndrome. Last evaluated: 2024-04-15. Review status: criteria provided, single submitter. Criteria: Invitae Variant Classification Sherloc (09022015). Collection method: clinical testing. Allele origin: germline. Not counted in ClinVar's aggregate classification.
Comment: This sequence change creates a premature translational stop signal (p.Val1862*) in the BRCA2 gene. It is expected to result in an absent or disrupted protein product. Loss-of-function variants in BRCA2 are known to be pathogenic (PMID: 20104584). This variant is not present in population databases (gnomAD no frequency). This premature translational stop signal has been observed in individual(s) with personal or family history of BRCA2-related condition (PMID: 29339979). ClinVar contains an entry for this variant (Variation ID: 37976). For these reasons, this variant has been classified as Pathogenic.

Baylor Genetics
Classification: Pathogenic for Familial cancer of breast. Last evaluated: 2024-02-12. Review status: criteria provided, single submitter. Criteria: ACMG Guidelines, 2015. Collection method: clinical testing. Allele origin: unknown. Not counted in ClinVar's aggregate classification.

Consortium of Investigators of Modifiers of BRCA1/2 (CIMBA), c/o University of Cambridge
Classification: Pathogenic for Breast-ovarian cancer, familial, susceptibility to, 2. Last evaluated: 2015-10-02. Review status: criteria provided, single submitter. Criteria: CIMBA Mutation Classification guidelines May 2016. Collection method: clinical testing. Allele origin: germline. Not counted in ClinVar's aggregate classification.

Department of Medical Genetics, Oslo University Hospital
Classification: Pathogenic for Breast-ovarian cancer, familial, susceptibility to, 2. Last evaluated: 2015-07-01. Review status: criteria provided, single submitter. Criteria: ACMG Guidelines, 2015. Collection method: clinical testing. Allele origin: germline. Affected: yes. Observed: 1 variant allele. Not counted in ClinVar's aggregate classification.

Research Molecular Genetics Laboratory, Women's College Hospital, University of Toronto
Classification: Pathogenic for Hereditary breast ovarian cancer syndrome. Last evaluated: 2014-01-31. Review status: no assertion criteria provided. Collection method: research. Allele origin: germline. Affected: yes. Study: The Canadian Open Genetics Repository (COGR). Not counted in ClinVar's aggregate classification.

Sharing Clinical Reports Project (SCRP)
Classification: Pathogenic for Breast-ovarian cancer, familial 2. Last evaluated: 2010-09-15. Review status: no assertion criteria provided. Collection method: clinical testing. Allele origin: germline. Not counted in ClinVar's aggregate classification.

Literature cited by the submitters: PubMed 20104584 (cited by Labcorp Genetics (formerly Invitae), Labcorp); PubMed 29339979 (cited by Labcorp Genetics (formerly Invitae), Labcorp).

NM_000059.4(BRCA2):c.5577del (p.Lys1861_Val1862insTer)

Gene: BRCA2 (BRCA2 DNA repair associated; plus strand). Cytogenetic location: 13q13.1.
Variant type: Deletion.
Coding change: c.5577del on transcript NM_000059.4 (MANE Select); coding-DNA position 5577, one base deleted (T; older notation c.5577delT).
Protein change: p.Lys1861_Val1862insTer.
Molecular consequence: frameshift variant.
Genome position (GRCh38, 1-based): chr13:32,339,932, T deleted; the last of 2 consecutive T bases (chr13:32,339,931-32,339,932); deleting either gives the same sequence. VCF-style (leftmost placement, unchanged base first): chr13-32339930-AT-A. GRCh37 (hg19) VCF-style: chr13-32914067-AT-A.
Other names: 5805delT; c.5577delT (NM_000059.3).
Identifiers: ClinVar variation 37976 (VCV000037976.20), dbSNP rs397507355, ClinGen allele CA022612.